The following is an entry in ClinVar:

ClinVar aggregate classification (germline): Uncertain significance (1 of 4 stars; one submission).

Submission:

Women's Health and Genetics/Laboratory Corporation of America, LabCorp
Classification: Uncertain significance. Last evaluated: 2023-03-08. Review status: criteria provided, single submitter. Criteria: LabCorp Variant Classification Summary - May 2015. Collection method: clinical testing. Allele origin: germline.
Comment: Variant summary: The variant identified by MLPA or other technology involves the triplication of exons 17-30 in the DMD gene. A presumed nomenclature of c.(1992+1_1993-1)_(4233+1_4234-1)[3] has been designated for the purposes of this classification. It has been assumed that this is a tandem triplication in direct orientation (Richardson_GIM_2018, Newman_AJHG_2015). Although exact breakpoints of this duplication are not known, it is expected to result in large in-frame triplication change in the DMD gene, affecting the rod domain, which is comprised of 24 spectrin-like repeats, interspersed with 4 hinge domains (InterPro). The variant was absent in 16120 control chromosomes (gnomAD database, Structural Variants dataset). The available data on variant occurrences in the general population are insufficient to allow any conclusion about variant significance. To our knowledge, no experimental evidence demonstrating an impact on protein function has been reported. No clinical diagnostic laboratories have submitted clinical-significance assessments for this variant to ClinVar after 2014. Based on the evidence outlined above, the variant was classified as uncertain significance.

NM_004006.2:c.(1992+1_1993-1)_(4233+1_4234-1)[3]

Gene: DMD (dystrophin; minus strand).
Variant type: Duplication.
Identifiers: ClinVar variation 2501149 (VCV002501149.1).